The following is an entry in ClinVar:

NM_007294.4(BRCA1):c.2612_2614delinsTGC (p.Pro871_Phe872delinsLeuLeu)

Gene: BRCA1 (BRCA1 DNA repair associated; minus strand). Cytogenetic location: 17q21.31.
Variant type: Indel.
Coding change: c.2612_2614delinsTGC on transcript NM_007294.4 (MANE Select); coding-DNA positions 2612 to 2614, CGT replaced by TGC.
Protein change: p.Pro871_Phe872delinsLeuLeu.
Molecular consequence: missense variant. On other transcripts: intron variant (137).
Genome position (GRCh38, 1-based): chr17:43,092,917-43,092,919, ACG replaced by GCA on the plus strand (CGT replaced by TGC on the coding strand, the reverse complement: BRCA1 is on the minus strand). VCF-style: chr17-43092917-ACG-GCA. GRCh37 (hg19) VCF-style: chr17-41244934-ACG-GCA.
Other names: c.643+1825_643+1827delinsTGC (NM_001408470.1, NM_001408464.1, NM_001408468.1 and 3 more transcripts); c.646+1825_646+1827delinsTGC (NM_001408469.1, NM_001408453.1, NM_001408461.1 and 11 more transcripts); c.523+1825_523+1827delinsTGC (NM_001408498.1, NM_001408501.1, NM_001408500.1 and 3 more transcripts); c.664+1825_664+1827delinsTGC (NM_001408436.1, NM_001408444.1, NM_001408438.1 and 12 more transcripts); c.787+1825_787+1827delinsTGC (NM_001407976.1, NM_001407980.1, NM_001407993.1 and 17 more transcripts); c.652+1825_652+1827delinsTGC (NM_001408451.1); c.784+1825_784+1827delinsTGC (NM_001408397.1, NM_001408401.1, NM_001408396.1 and 13 more transcripts); c.2399_2401delinsTGC, p.Pro800_Phe801delinsLeuLeu (NM_001407571.1, NM_001407853.1, NM_001407894.1 and 9 more transcripts); and 41 more.
Identifiers: ClinVar variation 3481873 (VCV003481873.1).

ClinVar aggregate classification (germline): Uncertain significance (1 of 4 stars; one submission).

Conditions:
Hereditary cancer-predisposing syndrome. Also called: Tumor predisposition; Neoplastic Syndromes, Hereditary; Hereditary Cancer Syndrome; Hereditary neoplastic syndrome. Identifiers: Orphanet 140162, MedGen C0027672, MeSH D009386, MONDO:0015356.

Submission:

Ambry Genetics
Classification: Uncertain significance for Hereditary cancer-predisposing syndrome. Last evaluated: 2024-10-25. Review status: criteria provided, single submitter. Criteria: Ambry Variant Classification Scheme 2023. Collection method: clinical testing. Allele origin: germline.
Comment: The c.2612_2614delCGTinsTGC variant (also known as p.P871_F872delinsLL), located in coding exon 9 of the BRCA1 gene, results from an in-frame deletion of CGT and insertion of TGC at nucleotide positions 2612 to 2614. This results in the substitution of proline and phenylalanine residues for two leucine residues at codon 871 and 872. This amino acid region is not well conserved in available vertebrate species. In addition, this alteration is predicted to be neutral by in silico analysis (Choi Y et al. PLoS ONE. 2012; 7(10):e46688). Based on the available evidence, the clinical significance of this variant remains unclear.